The following is an entry in ClinVar:

ClinVar aggregate classification (germline): Uncertain significance (1 of 4 stars; one submission).

Conditions:
Ectodermal dysplasia and immunodeficiency 2. Identifiers: Orphanet 238468, Orphanet 98813, MedGen C2677481, MONDO:0012806, OMIM 612132.

Allele frequency attached by ClinVar (database versions not stated): gnomAD exomes below 0.00001.

Submission:

Labcorp Genetics (formerly Invitae), Labcorp
Classification: Uncertain significance for Ectodermal dysplasia and immunodeficiency 2. Last evaluated: 2022-05-13. Review status: criteria provided, single submitter. Criteria: Invitae Variant Classification Sherloc (09022015). Collection method: clinical testing. Allele origin: germline.
Comment: This sequence change replaces alanine, which is neutral and non-polar, with valine, which is neutral and non-polar, at codon 158 of the NFKBIA protein (p.Ala158Val). This variant is present in population databases (no rsID available, gnomAD 0.003%). This variant has not been reported in the literature in individuals affected with NFKBIA-related conditions. Algorithms developed to predict the effect of missense changes on protein structure and function (SIFT, PolyPhen-2, Align-GVGD) all suggest that this variant is likely to be tolerated. In summary, the available evidence is currently insufficient to determine the role of this variant in disease. Therefore, it has been classified as a Variant of Uncertain Significance.

NM_020529.3(NFKBIA):c.473C>T (p.Ala158Val)

Gene: NFKBIA (NFKB inhibitor alpha; minus strand). Cytogenetic location: 14q13.2.
Variant type: single nucleotide variant.
Coding change: c.473C>T on transcript NM_020529.3 (MANE Select); coding-DNA position 473, C replaced by T.
Protein change: p.Ala158Val; replaces alanine 158 with valine.
Molecular consequence: missense variant.
Genome position (GRCh38, 1-based): chr14:35,403,224, G>A on the plus strand (C>T on the coding strand, the complement: NFKBIA is on the minus strand). VCF-style: chr14-35403224-G-A. GRCh37 (hg19) VCF-style: chr14-35872430-G-A.
Other names: short protein forms A158V.
Identifiers: ClinVar variation 2103811 (VCV002103811.4), dbSNP rs1199743715, ClinGen allele CA389453092.